The following is an entry in ClinVar:

ClinVar aggregate classification (germline): Uncertain significance (1 of 4 stars; one submission).

gnomAD v4.1: 1 of 1,585,408 alleles (0.000063%); highest among the groups gnomAD compares: Non-Finnish European, 0.000085%; no homozygotes.

Submission:

Dasa
Classification: Uncertain significance. Last evaluated: 2026-04-19. Review status: criteria provided, single submitter. Criteria: DASA Assertion Criteria. Collection method: clinical testing. Allele origin: germline.
Comment: NM_001393769.1(MED12L):c.5821-2A>G affects a canonical splice site and is predicted to disrupt normal RNA splicing. This variant is rare in population databases. The currently available literature and clinical evidence are not sufficient to establish a definitive association between this variant and the reported condition. Therefore, this variant is classified as a variant of uncertain significance.

NM_001393769.1(MED12L):c.5821-2A>G

Gene: MED12L (mediator complex subunit 12L; plus strand). Cytogenetic location: 3q25.1.
Variant type: single nucleotide variant.
Coding change: c.5821-2A>G on transcript NM_001393769.1 (MANE Select); the canonical splice acceptor site of the intron before coding-DNA position 5821, A replaced by G.
Molecular consequence: splice acceptor variant.
Genome position (GRCh38, 1-based): chr3:151,409,241, A>G. VCF-style: chr3-151409241-A-G. GRCh37 (hg19) VCF-style: chr3-151127029-A-G.
Other names: c.5716-2A>G (NM_053002.6).
Identifiers: ClinVar variation 4885451 (VCV004885451.2).